The following is an entry in ClinVar:

NM_002941.4(ROBO1):c.3450C>A (p.Tyr1150Ter)

Gene: ROBO1 (roundabout guidance receptor 1; minus strand). Cytogenetic location: 3p12.3.
Variant type: single nucleotide variant.
Coding change: c.3450C>A on transcript NM_002941.4 (MANE Select); coding-DNA position 3450, C replaced by A.
Protein change: p.Tyr1150Ter; replaces tyrosine 1150 with a stop codon.
Molecular consequence: nonsense.
Genome position (GRCh38, 1-based): chr3:78,633,966, G>T on the plus strand (C>A on the coding strand, the complement: ROBO1 is on the minus strand). VCF-style: chr3-78633966-G-T. GRCh37 (hg19) VCF-style: chr3-78683116-G-T.
Other names: c.3150C>A, p.Tyr1050Ter (NM_001145845.2); c.3315C>A, p.Tyr1105Ter (NM_133631.4); short protein forms Y1050*, Y1105*, Y1150*.
Identifiers: ClinVar variation 978579 (VCV000978579.2), dbSNP rs1439248218, ClinGen allele CA353651100.
Genomic context (GRCh38, chr3:78,633,966, plus strand): 5'-GGAGAAGTTCTTTGGTTCATCTTACTTACCAGATGTACTACTGCCCCGGTCTGAGCTGTT[G>T]TAGGATCCTCCTGTGTTCTGGTCGTATGATTGGTTGTATGGGATAGTTGGAGGAACTGTG-3'

ClinVar aggregate classification (germline): Pathogenic/Likely pathogenic. Review status: criteria provided, multiple submitters, no conflicts (2 of 4 stars). 2 submissions from 2 submitters: Pathogenic (1); Likely pathogenic (1). Last evaluated 2021-01-09.

Conditions:
Pituitary stalk interruption syndrome. Identifiers: Orphanet 95496, MedGen C4053775, MONDO:0019828.

Submissions (2):

Institute of Human Genetics, University of Leipzig Medical Center
Classification: Likely pathogenic for Pituitary stalk interruption syndrome. Last evaluated: 2021-01-09. Review status: criteria provided, single submitter. Criteria: ACMG Guidelines, 2015. Collection method: curation. Allele origin: germline. Inheritance: Autosomal dominant inheritance. Affected: yes.
Comment: Inheritance was reported as dominant (heterozygous) (maternal). The variant was reviewed according to current ACMG recommendations and classified as Likely Pathogenic (criteria: PVS1_VeryStrong, PM2_Supporting) at the variant level; the gene-disease association is currently not established in curated databases.

Human Developmental Genetics, Institut Pasteur
Classification: Pathogenic for Pituitary stalk interruption syndrome. Last evaluated: 2020-04-01. Review status: criteria provided, single submitter. Criteria: ACMG Guidelines, 2015. Collection method: research. Allele origin: maternal. Affected: yes.

Literature cited by the submitters: PubMed 28402530 (cited by Institute of Human Genetics, University of Leipzig Medical Center and Human Developmental Genetics, Institut Pasteur).